The following is an entry in ClinVar:

ClinVar aggregate classification (germline): Uncertain significance. Review status: criteria provided, multiple submitters, no conflicts (2 of 4 stars). 2 submissions from 2 submitters: Uncertain significance (2). Last evaluated 2026-03-17.

Conditions:
Hereditary nonpolyposis colorectal neoplasms. Identifiers: MedGen C0009405, MeSH D003123.
Hereditary cancer-predisposing syndrome. Also called: Neoplastic Syndromes, Hereditary; Tumor predisposition; Hereditary Cancer Syndrome; Hereditary neoplastic syndrome. Identifiers: Orphanet 140162, MedGen C0027672, MeSH D009386, MONDO:0015356.

Submissions (2):

Ambry Genetics
Classification: Uncertain significance for Hereditary cancer-predisposing syndrome. Last evaluated: 2026-03-17. Review status: criteria provided, single submitter. Criteria: Ambry Variant Classification Scheme 2023. Collection method: clinical testing. Allele origin: germline.
Comment: The p.D366N variant (also known as c.1096G>A), located in coding exon 10 of the PMS2 gene, results from a G to A substitution at nucleotide position 1096. The aspartic acid at codon 366 is replaced by asparagine, an amino acid with highly similar properties. This amino acid position is not well conserved in available vertebrate species. In addition, this alteration is predicted to be tolerated by in silico analysis. Based on the available evidence, the clinical significance of this variant remains unclear.

Labcorp Genetics (formerly Invitae), Labcorp
Classification: Uncertain significance for Hereditary nonpolyposis colorectal neoplasms. Last evaluated: 2025-05-23. Review status: criteria provided, single submitter. Criteria: Invitae Variant Classification Sherloc (09022015). Collection method: clinical testing. Allele origin: germline.
Comment: This sequence change replaces aspartic acid, which is acidic and polar, with asparagine, which is neutral and polar, at codon 366 of the PMS2 protein (p.Asp366Asn). This variant is not present in population databases (gnomAD no frequency). This variant has not been reported in the literature in individuals affected with PMS2-related conditions. Invitae Evidence Modeling incorporating data from in vitro experimental studies (internal data) indicates that this missense variant is not expected to disrupt PMS2 function with a negative predictive value of 95%. In summary, the available evidence is currently insufficient to determine the role of this variant in disease. Therefore, it has been classified as a Variant of Uncertain Significance.

NM_000535.7(PMS2):c.1096G>A (p.Asp366Asn)

Gene: PMS2 (PMS1 homolog 2, mismatch repair system component; minus strand). Cytogenetic location: 7p22.1.
Variant type: single nucleotide variant.
Coding change: c.1096G>A on transcript NM_000535.7 (MANE Select); coding-DNA position 1096, G replaced by A.
Protein change: p.Asp366Asn; replaces aspartic acid 366 with asparagine.
Molecular consequence: missense variant. On other transcripts: non-coding transcript variant (1), intron variant (10).
Genome position (GRCh38, 1-based): chr7:5,989,848, C>T on the plus strand (G>A on the coding strand, the complement: PMS2 is on the minus strand). VCF-style: chr7-5989848-C-T. GRCh37 (hg19) VCF-style: chr7-6029479-C-T.
Other names: c.691G>A, p.Asp231Asn (NM_001322003.2, NM_001322004.2, NM_001322005.2 and 16 more transcripts); c.778G>A, p.Asp260Asn (NM_001322007.2, NM_001322008.2, NM_001406876.1 and 2 more transcripts); c.163G>A, p.Asp55Asn (NM_001322011.2, NM_001322012.2); c.523G>A, p.Asp175Asn (NM_001322013.2, NM_001406909.1); c.787G>A, p.Asp263Asn (NM_001406877.1, NM_001406878.1, NM_001406879.1 and 5 more transcripts); c.760G>A, p.Asp254Asn (NM_001406885.1); c.583G>A, p.Asp195Asn (NM_001406904.1, NM_001406905.1); c.1096G>A, p.Asp366Asn (NM_001322014.2, NM_001406871.1, NM_001406872.1); and 13 more; short protein forms D366N, D195N, D300N, D310N, D109N, D175N, D231N, D244N.
Identifiers: ClinVar variation 4761905 (VCV004761905.2).